The following is an entry in ClinVar:

ClinVar aggregate classification (germline): Uncertain significance (1 of 4 stars; one submission).

Allele frequency attached by ClinVar (database versions not stated): gnomAD exomes below 0.00001; TOPMed 0.00001.
gnomAD v4.1: 1 of 1,613,452 alleles (0.000062%); highest among the groups gnomAD compares: Admixed American, 0.0017%; no homozygotes.

Submission:

Labcorp Genetics (formerly Invitae), Labcorp
Classification: Uncertain significance. Last evaluated: 2022-05-05. Review status: criteria provided, single submitter. Criteria: Invitae Variant Classification Sherloc (09022015). Collection method: clinical testing. Allele origin: germline.
Comment: In summary, the available evidence is currently insufficient to determine the role of this variant in disease. Therefore, it has been classified as a Variant of Uncertain Significance. Algorithms developed to predict the effect of missense changes on protein structure and function (SIFT, PolyPhen-2, Align-GVGD) all suggest that this variant is likely to be tolerated. This variant has not been reported in the literature in individuals affected with LONP1-related conditions. This variant is not present in population databases (gnomAD no frequency). This sequence change replaces alanine, which is neutral and non-polar, with valine, which is neutral and non-polar, at codon 617 of the LONP1 protein (p.Ala617Val).

NM_004793.4(LONP1):c.1850C>T (p.Ala617Val)

Gene: LONP1 (lon peptidase 1, mitochondrial; minus strand). Cytogenetic location: 19p13.3.
Variant type: single nucleotide variant.
Coding change: c.1850C>T on transcript NM_004793.4 (MANE Select); coding-DNA position 1850, C replaced by T.
Protein change: p.Ala617Val; replaces alanine 617 with valine.
Molecular consequence: missense variant. On other transcripts: non-coding transcript variant (1).
Genome position (GRCh38, 1-based): chr19:5,696,295, G>A on the plus strand (C>T on the coding strand, the complement: LONP1 is on the minus strand). VCF-style: chr19-5696295-G-A. GRCh37 (hg19) VCF-style: chr19-5696306-G-A.
Other names: c.1658C>T, p.Ala553Val (NM_001276479.2); c.1262C>T, p.Ala421Val (NM_001276480.1); short protein forms A421V, A553V, A617V.
Identifiers: ClinVar variation 2051255 (VCV002051255.4), dbSNP rs1190485210, ClinGen allele CA403529055.